The following is an entry in ClinVar:

ClinVar aggregate classification (germline): Uncertain significance. Review status: criteria provided, multiple submitters, no conflicts (2 of 4 stars). 2 submissions from 2 submitters: Uncertain significance (2). Last evaluated 2025-04-28.

Conditions:
TUB-related disorder. Also called: TUB-related condition.

Allele frequency attached by ClinVar (database versions not stated): gnomAD exomes 0.00013 and 0.00017; ExAC 0.00013; TOPMed 0.00006; ESP Exome Variant Server 0.00008.

Submissions (2):

Labcorp Genetics (formerly Invitae), Labcorp
Classification: Uncertain significance. Last evaluated: 2025-04-28. Review status: criteria provided, single submitter. Criteria: Invitae Variant Classification Sherloc (09022015). Collection method: clinical testing. Allele origin: germline.
Comment: This sequence change replaces arginine, which is basic and polar, with tryptophan, which is neutral and slightly polar, at codon 46 of the TUB protein (p.Arg46Trp). This variant is present in population databases (rs139435715, gnomAD 0.09%). This variant has not been reported in the literature in individuals affected with TUB-related conditions. ClinVar contains an entry for this variant (Variation ID: 1037914). An algorithm developed to predict the effect of missense changes on protein structure and function outputs the following: PolyPhen-2: "Benign". The tryptophan amino acid residue is found in multiple mammalian species, which suggests that this missense change does not adversely affect protein function. In summary, the available evidence is currently insufficient to determine the role of this variant in disease. Therefore, it has been classified as a Variant of Uncertain Significance.

PreventionGenetics, part of Exact Sciences
Classification: Uncertain significance for TUB-related condition. Last evaluated: 2025-03-26. Review status: criteria provided, single submitter. Criteria: ACMG Guidelines, 2015. Collection method: clinical testing. Allele origin: germline.
Comment: The TUB c.136C>T variant is predicted to result in the amino acid substitution p.Arg46Trp. To our knowledge, this variant has not been reported in the literature. This variant is reported in 0.091% of alleles in individuals of South Asian descent in gnomAD. Although we suspect that this variant may be benign, at this time, the clinical significance of this variant is uncertain due to the absence of conclusive functional and genetic evidence.

NM_003320.5(TUB):c.136C>T (p.Arg46Trp)

Gene: TUB (TUB bipartite transcription factor; plus strand). Cytogenetic location: 11p15.4.
Variant type: single nucleotide variant.
Coding change: c.136C>T on transcript NM_003320.5; coding-DNA position 136, C replaced by T.
Protein change: p.Arg46Trp; replaces arginine 46 with tryptophan.
Molecular consequence: missense variant. On other transcripts: intron variant (4).
Genome position (GRCh38, 1-based): chr11:8,039,009, C>T. VCF-style: chr11-8039009-C-T. GRCh37 (hg19) VCF-style: chr11-8060556-C-T.
Other names: c.56+19651C>T (NM_001440538.1, NM_001440539.1, NM_001440540.1 and 1 more transcripts); short protein forms R46W.
Identifiers: ClinVar variation 1037914 (VCV001037914.44), dbSNP rs139435715, ClinGen allele CA5870819.